The following continues an entry in ClinVar:

NM_000104.4(CYP1B1):c.1103G>A (p.Arg368His)

Gene: CYP1B1. ClinVar aggregate classification (germline): Uncertain significance. Uncertain significance (1).

Submissions 17 to 28 of 31:

Dubai Health Genomic Medicine Center, Dubai Health
Classification: Uncertain significance. Last evaluated: 2020-09-06. Review status: criteria provided, single submitter. Criteria: ACMG Guidelines, 2015. Collection method: clinical testing. Allele origin: germline. Affected: yes. Not counted in ClinVar's aggregate classification.
Comment: The p.Arg368His variant in CYP1B1 has been reported in the homozygous or compound heterozygous state in several individuals of varying ancestries with primary congenital glaucoma (PMIDs: 10655546, 14507861, 17591938, 25978063 27508083, 28384041). In addition functional studies suggest an impact to enzyme function (PMIDs: 18622259, 19643970, 23028769, 28620713). However at least 8 unaffected individuals carried this variant in the homozygous or compound heterozygous state (PMIDs: 10655546, 29556725). It has also been identified in 924/30622 (3% 13 homozygotes) South Asian alleles and in 232/10268 (2.3% 0 homozygotes) Ashkenazi Jewish alleles in the Genome Aggregation Database (gnomAD). Furthermore this was also identified in 27/1954 (1.4% 1 homozygote) total alleles in the Greater Middle East (GME) variome database. These allele frequencies are higher than the maximum expected allele frequency for a pathogenic variant in the CYP1B1 gene. In summary the clinical significance of the p.Arg368His variant is uncertain due to conflicting evidence.

Genetics and Molecular Pathology, SA Pathology
Classification: Uncertain significance for Glaucoma 3A. Last evaluated: 2020-06-11. Review status: criteria provided, single submitter. Criteria: ACMG Guidelines, 2015. Collection method: clinical testing. Allele origin: germline. Inheritance: Autosomal recessive inheritance. Affected: yes. Not counted in ClinVar's aggregate classification.

Laboratory of Human Genetics, Universidade de São Paulo
Classification: Pathogenic for Glaucoma 3A. Last evaluated: 2020-05-22. Review status: criteria provided, single submitter. Criteria: ACMG Guidelines, 2015. Collection method: research. Allele origin: maternal. Inheritance: Autosomal dominant inheritance. Affected: yes. Observed: 2 variant alleles, 2 heterozygotes. Not counted in ClinVar's aggregate classification.
Comment: However, this pathogenic variant alone is not sufficient to explain her phenotype, as glaucoma due to CYP1B1 mutations is typical of an autosomal recessive inheritance (Reis et al., 2016).

Genomic Medicine Lab, University of California San Francisco
Classification: Uncertain significance for Glaucoma 3A. Last evaluated: 2020-05-14. Review status: criteria provided, single submitter. Criteria: ACMG Guidelines, 2015. Collection method: clinical testing. Allele origin: paternal. Inheritance: Autosomal recessive inheritance. Affected: yes. Study: CSER-P3EGS. Not counted in ClinVar's aggregate classification.

Illumina Laboratory Services, Illumina
Classification: Pathogenic for CYP1B1-Related Disorders. Last evaluated: 2019-04-05. Review status: criteria provided, single submitter. Criteria: ICSL Variant Classification Criteria 09 May 2019. Collection method: clinical testing. Allele origin: germline. Not counted in ClinVar's aggregate classification.
Comment: Across a selection of the available literature, the CYP1B1 c.1103G>A (p.Arg368His) missense variant has been reported in a total of 78 individuals with a spectrum of eye disorders. Within this group, the p.Arg368His variant was identified in a homozygous state in 31 individuals, in a compound heterozygous state in 17 individuals, and in a heterozygous state in 30 individuals. Primary congenital glaucoma was the most commonly described phenotype, however other forms of childhood-onset and adulthood-onset glaucoma, as well as Peter's anomaly, Rieger's anomaly, and a case of micropthalmia with iris and fundal colobomas were also reported (Bejjani et al. 2000; Panicker et al. 2002; Vincent et al. 2002; Reddy et al. 2003; Acharya et al. 2006; Chavarria-Soley et al. 2006; Vincent et al. 2006; Chitsazian et al. 2007; Dimasi et al. 2007; Kumar et al. 2007; Suri et al. 2009; Tanwar et al. 2009; Pasutto et al. 2010; Azmanov et al. 2011; Prokudin et al. 2014). The p.Arg368His variant was also found in a homozygous state in two unaffected individuals and in a compound heterozygous state in ten self-reported unaffected individuals (Bejjani et al. 2000; Suri et al. 2009). The p.Arg368His variant was reported in a heterozygous state in five of 1030 controls and is also reported at a frequency of 0.030660 in the South Asian population of the Exome Aggregation Consortium. This database also includes thirteen homozygotes. In vitro functional studies showed that the variant demonstrated reduced enzymatic activity (Pasutto et al. 2010; Mookherjee et al. 2012). Expression of the variant protein in E. coli resulted in approximately one-sixth of the amount of stable protein compared to wild type and severely reduced metabolism of all substrates tested (Choudhary et al. 2008). While the p.Arg368His variant shows a strong association with disease, the presence of the variant in unaffected individuals in a homozygous and compound heterozygous state, and the high frequency in the population database suggests the variant results in greatly reduced disease penetrance. However, based on the high number of patient cases and functional data, the p.Arg368His variant is classified as pathogenic for CYP1B1-related disorders. This variant was observed by ICSL as part of a predisposition screen in an ostensibly healthy population.

Laboratory for Molecular Medicine, Mass General Brigham Personalized Medicine
Classification: Uncertain significance. Last evaluated: 2018-10-12. Review status: criteria provided, single submitter. Criteria: LMM Criteria. Collection method: clinical testing. Allele origin: germline. Observed: 5 variant alleles. Not counted in ClinVar's aggregate classification.
Comment: Variant classified as Uncertain Significance - Favor Benign. The p.Arg368His var iant in CYP1B1 has been reported in the homozygous or compound heterozygous stat e in several individuals of varying ethnic backgrounds with primary congenital g laucoma (Bejjani 2000, Reddy 2003, Chitsazian 2007, de Melo 2015, Rauf 2016, Yan g 2017) and functional studies suggest an impact to enzyme function (Choudhary 2 008, Pasutto 2010, Mookherjee 2012, Kabra 2017). However, this variant has also been identified in the homozygous or compound heterozygous state in at least 8 unaffected individuals (Bejjani 2000, Alsaif 2018) and has been identified in 3. 1% (939/30622) of South Asian chromosomes, 2.2% (222/10030) of Ashkenazi Jewish chromosomes, and 13 homozygotes in the Genome Aggregation Database (gnomAD). It was also identified at an allele frequency of 1.6% in a Saudi Arabian population cohort and 2.4% in a Qatari population cohort (Alsaif 2018, Fakhro 2016). These allele frequencies are higher than the maximu m expected allele frequency for a pathogenic variant in the CYP1B1 gene. In summ ary, the clinical significance of the p.Arg368His variant is uncertain due to co nflicting evidence. ACMG/AMP criteria applied: PM3_VeryStrong, PS3_Moderate, PP3 , BA1, BS2.

Centre for Mendelian Genomics, University Medical Centre Ljubljana
Classification: Uncertain significance for Glaucoma 3A. Last evaluated: 2016-01-01. Review status: criteria provided, single submitter. Criteria: ACMG Guidelines, 2015. Collection method: clinical testing. Allele origin: unknown. Affected: yes. Not counted in ClinVar's aggregate classification.
Comment: This variant was classified as: Uncertain significance. The following ACMG criteria were applied in classifying this variant: PS1,PP3.

Eurofins Ntd Llc (ga)
Classification: Pathogenic. Last evaluated: 2015-02-25. Review status: criteria provided, single submitter. Criteria: EGL Classification Definitions. Collection method: clinical testing. Allele origin: germline. Observed: 17 variant alleles, 17 heterozygotes. Not counted in ClinVar's aggregate classification.

Baylor Genetics
Classification: Uncertain significance for Glaucoma 3A. Review status: criteria provided, single submitter. Criteria: ACMG Guidelines, 2015. Collection method: clinical testing. Allele origin: unknown. Not counted in ClinVar's aggregate classification.

Broad Center for Mendelian Genomics, Broad Institute of MIT and Harvard
Classification: Uncertain significance for Myopathy, centronuclear, 5. Review status: criteria provided, single submitter. Criteria: ACMG Guidelines, 2015. Collection method: research. Allele origin: germline. Inheritance: Autosomal recessive inheritance. Affected: yes. Not counted in ClinVar's aggregate classification.
Comment: The p.Arg368His variant in CYP1B1 has been identified in at least 13 individuals with primary congenital glaucoma and in multiple unaffected individuals (PMID: 10655546, 19793111, 25091052, 19643970), but has also been identified in >2% of South Asian chromosomes and 10 homozygotes by ExAC. In vitro functional studies provide some evidence that the p.Arg368His variant may impact protein function (PMID: 23028769, 19643970). However, these types of assays may not accurately represent biological function. In summary, the clinical significance of this variant is uncertain.

Kariminejad - Najmabadi Pathology & Genetics Center
Classification: Likely pathogenic for Glaucoma 3A. Review status: criteria provided, single submitter. Criteria: ACMG Guidelines, 2015. Collection method: clinical testing. Allele origin: germline. Affected: no. Not counted in ClinVar's aggregate classification.

Neuberg Centre For Genomic Medicine, NCGM
Classification: Uncertain significance for Glaucoma 3A. Review status: criteria provided, single submitter. Criteria: ACMG Guidelines, 2015. Collection method: clinical testing. Allele origin: germline. Inheritance: Autosomal recessive inheritance. Affected: yes. Not counted in ClinVar's aggregate classification.
Comment: The missense c.1103G>A p.Arg368His variant in CYP1B1 gene has been reported in multiple individuals affected with primary congenital glaucoma Kaur et al. 2018; Bashir et al. 2018. Functional studies have revealed a significant decrease in the relative enzyme activity of CYP1B1 due to the p.Arg368His variant supporting moderately abnormal protein function with transfected HEK293 cells leading to significantly reduced retinol and steroid enzyme activity and protein expression Pasutto et al. 2010; Banerjee et al. 2016. This variant is reported to be segregating with the disease in the related individuals Bashir et al. 2018. This variant is the most common variant in Indian populations, and is also present in multiple healthy individuals from the control population Bashir et al. 2018. The p.Arg368His variant is reported with an allele frequency of 0.6% 1438 heterozygotes and 13 homozygotes in the gnomAD exomes database. This variant has been reported to the ClinVar database as Pathogenic / Uncertain Significance multiple submissions. The amino acid change p.Arg368His in CYP1B1 is predicted as conserved by GERP++ and PhyloP across 100 vertebrates. The amino acid Arg at position 368 is changed to a His changing protein sequence and it might alter its composition and physico-chemical properties. For these reasons, this variant has been classified as a Variant of Uncertain Significance VUS.